The following is an entry in ClinVar:

ClinVar aggregate classification (germline): Uncertain significance (1 of 4 stars; one submission).

Conditions:
Methylmalonic aciduria, cblA type (MACA). Also called: Methylmalonic aciduria, vitamin B12-responsive; Vitamin B12-responsive methylmalonic acidemia type cblA; Methylmalonic aciduria, vitamin b12-responsive, due to defect in synthesis of adenosylcobalamin, cbla complementation type; MMA cbl A type; Methylmalonic acidemia cblA type. Identifiers: Orphanet 28, Orphanet 79310, MedGen C1855109, MONDO:0009613, OMIM 251100.

Submission:

Labcorp Genetics (formerly Invitae), Labcorp
Classification: Uncertain significance for Methylmalonic aciduria, cblA type. Last evaluated: 2022-10-13. Review status: criteria provided, single submitter. Criteria: Invitae Variant Classification Sherloc (09022015). Collection method: clinical testing. Allele origin: germline.
Comment: This sequence change replaces valine, which is neutral and non-polar, with phenylalanine, which is neutral and non-polar, at codon 244 of the MMAA protein (p.Val244Phe). This variant is not present in population databases (gnomAD no frequency). This variant has not been reported in the literature in individuals affected with MMAA-related conditions. ClinVar contains an entry for this variant (Variation ID: 1409139). Advanced modeling of protein sequence and biophysical properties (such as structural, functional, and spatial information, amino acid conservation, physicochemical variation, residue mobility, and thermodynamic stability) performed at Invitae indicates that this missense variant is expected to disrupt MMAA protein function. In summary, the available evidence is currently insufficient to determine the role of this variant in disease. Therefore, it has been classified as a Variant of Uncertain Significance.

NM_172250.3(MMAA):c.730G>T (p.Val244Phe)

Gene: MMAA (metabolism of cobalamin associated A; plus strand). Cytogenetic location: 4q31.21.
Variant type: single nucleotide variant.
Coding change: c.730G>T on transcript NM_172250.3 (MANE Select); coding-DNA position 730, G replaced by T.
Protein change: p.Val244Phe; replaces valine 244 with phenylalanine.
Molecular consequence: missense variant.
Genome position (GRCh38, 1-based): chr4:145,646,153, G>T. VCF-style: chr4-145646153-G-T. GRCh37 (hg19) VCF-style: chr4-146567305-G-T.
Other names: c.730G>T, p.Val244Phe (NM_001375644.1); short protein forms V244F.
Identifiers: ClinVar variation 1409139 (VCV001409139.3), dbSNP rs771044996, ClinGen allele CA358356463.